The following is an entry in ClinVar:

ClinVar aggregate classification (germline): Uncertain significance (1 of 4 stars; one submission).

Allele frequency attached by ClinVar (database versions not stated): gnomAD exomes below 0.00001 and 0.00002; ExAC 0.00002; TOPMed 0.00002.
gnomAD v4.1: 11 of 1,614,010 alleles (0.00068%); highest among the groups gnomAD compares: Admixed American, 0.005%; no homozygotes.

Submission:

Labcorp Genetics (formerly Invitae), Labcorp
Classification: Uncertain significance. Last evaluated: 2022-07-18. Review status: criteria provided, single submitter. Criteria: Invitae Variant Classification Sherloc (09022015). Collection method: clinical testing. Allele origin: germline.
Comment: This variant has not been reported in the literature in individuals affected with CEP250-related conditions. This variant is present in population databases (rs775863903, gnomAD 0.007%). This sequence change replaces arginine with histidine at codon 1732 of the CEP250 protein (p.Arg1732His). The arginine residue is moderately conserved and there is a small physicochemical difference between arginine and histidine. ClinVar contains an entry for this variant (Variation ID: 1062890). In summary, the available evidence is currently insufficient to determine the role of this variant in disease. Therefore, it has been classified as a Variant of Uncertain Significance. Algorithms developed to predict the effect of missense changes on protein structure and function are either unavailable or do not agree on the potential impact of this missense change (SIFT: "Not Available"; PolyPhen-2: "Probably Damaging"; Align-GVGD: "Not Available").

NM_007186.6(CEP250):c.5195G>A (p.Arg1732His)

Gene: CEP250 (centrosomal protein 250; plus strand). Cytogenetic location: 20q11.22.
Variant type: single nucleotide variant.
Coding change: c.5195G>A on transcript NM_007186.6 (MANE Select); coding-DNA position 5195, G replaced by A.
Protein change: p.Arg1732His; replaces arginine 1732 with histidine.
Molecular consequence: missense variant.
Genome position (GRCh38, 1-based): chr20:35,503,564, G>A. VCF-style: chr20-35503564-G-A. GRCh37 (hg19) VCF-style: chr20-34091392-G-A.
Other names: c.3299G>A, p.Arg1100His (NM_001318219.1); short protein forms R1100H, R1732H.
Identifiers: ClinVar variation 1062890 (VCV001062890.5), dbSNP rs775863903, ClinGen allele CA9833846.
Genomic context (GRCh38, chr20:35,503,564, plus strand): 5'-AAGGGAAGGGCCCAAGTAAAGCACAGCGCGGGAGCCTAGAGCACATGAAGCTGATCCTGC[G>A]TGATAAGGAGAAGGAGGTGGAATGTCAGCAGGAGCATATCCATGAACTCCAGGAGCTCAA-3'
Protein context (NP_009117.2, residues 1722-1742): GSLEHMKLIL[Arg1732His]DKEKEVECQQ